The following is an entry in ClinVar:

ClinVar aggregate classification (germline): Pathogenic (1 of 4 stars; one submission).

Conditions:
Bardet-Biedl syndrome 3 (BBS3). Identifiers: Orphanet 110, MedGen C1859564, MONDO:0010832, OMIM 600151.
Retinitis pigmentosa 55 (RP55). Identifiers: Orphanet 791, MedGen C3150808, MONDO:0013312, OMIM 613575.

Submission:

Labcorp Genetics (formerly Invitae), Labcorp
Classification: Pathogenic for Retinitis pigmentosa 55; Bardet-Biedl syndrome 3. Last evaluated: 2022-02-01. Review status: criteria provided, single submitter. Criteria: Invitae Variant Classification Sherloc (09022015). Collection method: clinical testing. Allele origin: germline.
Comment: This variant is not present in population databases (gnomAD no frequency). For these reasons, this variant has been classified as Pathogenic. This variant disrupts a region of the ARL6 protein in which other variant(s) (p.Gly169Alafs*6) have been determined to be pathogenic (Invitae). This suggests that this is a clinically significant region of the protein, and that variants that disrupt it are likely to be disease-causing. This variant has not been reported in the literature in individuals affected with ARL6-related conditions. This sequence change creates a premature translational stop signal (p.Trp157Glyfs*9) in the ARL6 gene. While this is not anticipated to result in nonsense mediated decay, it is expected to disrupt the last 30 amino acid(s) of the ARL6 protein.

NM_001278293.3(ARL6):c.469del (p.Trp157fs)

Gene: ARL6 (ARF like GTPase 6; plus strand). Cytogenetic location: 3q11.2.
Variant type: Deletion.
Coding change: c.469del on transcript NM_001278293.3 (MANE Select); coding-DNA position 469, one base deleted (T; older notation c.469delT).
Protein change: p.Trp157fs; shifts the reading frame from tryptophan 157.
Molecular consequence: frameshift variant. On other transcripts: non-coding transcript variant (7).
Genome position (GRCh38, 1-based): chr3:97,788,109, T deleted. VCF-style (leftmost placement, unchanged base first): chr3-97788108-CT-C. GRCh37 (hg19) VCF-style: chr3-97506952-CT-C.
Other names: c.469del, p.Trp157fs (NM_001323513.2, NM_001323514.2, NM_032146.5 and 1 more transcripts); short protein forms W157fs.
Identifiers: ClinVar variation 2071999 (VCV002071999.4), dbSNP rs2529975182, ClinGen allele CA2580070635.
Genomic context (GRCh38, chr3:97,788,108, plus strand): 5'-TGCAGTGACATCTGTAAAAGTGTCTCAGTTGCTGTGTTTAGAGAACATCAAAGATAAACC[CT>C]GGCATATTTGGTAAAGTTTTATATTTACTTTTCACTGTAGCTTTCTGAAAAATATACAAG-3'